The following is an entry in ClinVar:

ClinVar aggregate classification (germline): Conflicting classifications of pathogenicity. Review status: criteria provided, conflicting classifications (1 of 4 stars). 2 submissions from 2 submitters: Uncertain significance (1); Likely benign (1). Last evaluated 2026-01-21.

Conditions:
Inborn genetic diseases. Identifiers: MedGen C0950123, MeSH D030342.
Congenital myopathy with internal nuclei and atypical cores. Also called: Myopathy, centronuclear, 4. Identifiers: Orphanet 319160, MedGen C4707232, MONDO:0013890, OMIM 614807.

Submissions (2):

Labcorp Genetics (formerly Invitae), Labcorp
Classification: Uncertain significance for Congenital myopathy with internal nuclei and atypical cores. Last evaluated: 2026-01-21. Review status: criteria provided, single submitter. Criteria: Invitae Variant Classification Sherloc (09022015). Collection method: clinical testing. Allele origin: germline.
Comment: This sequence change replaces serine, which is neutral and polar, with threonine, which is neutral and polar, at codon 298 of the CCDC78 protein (p.Ser298Thr). This variant is present in population databases (no rsID available, gnomAD no frequency). This variant has not been reported in the literature in individuals affected with CCDC78-related conditions. ClinVar contains an entry for this variant (Variation ID: 1392443). Invitae Evidence Modeling of protein sequence and biophysical properties (such as structural, functional, and spatial information, amino acid conservation, physicochemical variation, residue mobility, and thermodynamic stability) indicates that this missense variant is not expected to disrupt CCDC78 protein function with a negative predictive value of 80%. In summary, the available evidence is currently insufficient to determine the role of this variant in disease. Therefore, it has been classified as a Variant of Uncertain Significance.

Ambry Genetics
Classification: Likely benign for Inborn genetic diseases. Last evaluated: 2023-10-02. Review status: criteria provided, single submitter. Criteria: Ambry Variant Classification Scheme 2023. Collection method: clinical testing. Allele origin: germline.

NM_001378030.1(CCDC78):c.893G>C (p.Ser298Thr)

Gene: CCDC78 (coiled-coil domain containing 78; minus strand). Cytogenetic location: 16p13.3.
Variant type: single nucleotide variant.
Coding change: c.893G>C on transcript NM_001378030.1 (MANE Select); coding-DNA position 893, G replaced by C.
Protein change: p.Ser298Thr; replaces serine 298 with threonine.
Molecular consequence: missense variant. On other transcripts: non-coding transcript variant (5).
Genome position (GRCh38, 1-based): chr16:724,382, C>G on the plus strand (G>C on the coding strand, the complement: CCDC78 is on the minus strand). VCF-style: chr16-724382-C-G. GRCh37 (hg19) VCF-style: chr16-774382-C-G.
Other names: c.893G>C (NM_001031737.2); c.893G>C, p.Ser298Thr (NM_001031737.3, NM_001378031.1); c.326G>C, p.Ser109Thr (NM_001378033.1); short protein forms S109T, S298T.
Identifiers: ClinVar variation 1392443 (VCV001392443.7), dbSNP rs770130604, ClinGen allele CA276519826.
Genomic context (GRCh38, chr16:724,382, plus strand): 5'-CTGTAGGCAACCAGTAGCTCTTCATGCCTGCGGCTCAGATCCACCAGCCTCTTGTGGTAG[C>G]TGCGGGCAGCCCGGGCCAGCTGCTGCTCACGGCTGCGGTGCGCTGCCCGGATGTCCTCCA-3'
Protein context (NP_001364959.1, residues 288-308): REQQLARAAR[Ser298Thr]YHKRLVDLSR